The following is an entry in ClinVar:

ClinVar aggregate classification (germline): Uncertain significance. Review status: criteria provided, multiple submitters, no conflicts (2 of 4 stars). 3 submissions from 3 submitters: Uncertain significance (3). Last evaluated 2025-01-13.

Conditions:
Inborn genetic diseases. Identifiers: MedGen C0950123, MeSH D030342.
Complement component 6 deficiency (C6D). Also called: C6 DEFICIENCY. Identifiers: MedGen C2676232, MONDO:0012908, OMIM 612446.

Allele frequency attached by ClinVar (database versions not stated): gnomAD exomes 0.00006 and 0.00010; gnomAD 0.00008 and 0.00009; ExAC 0.00011; TOPMed 0.00015.
gnomAD v4.1: 108 of 1,611,122 alleles (0.0067%); highest among the groups gnomAD compares: Admixed American, 0.0083%; 1 homozygote.

Submissions (3):

Labcorp Genetics (formerly Invitae), Labcorp
Classification: Uncertain significance. Last evaluated: 2025-01-13. Review status: criteria provided, single submitter. Criteria: Invitae Variant Classification Sherloc (09022015). Collection method: clinical testing. Allele origin: germline.
Comment: This sequence change replaces glycine, which is neutral and non-polar, with arginine, which is basic and polar, at codon 643 of the C6 protein (p.Gly643Arg). This variant is present in population databases (rs199552869, gnomAD 0.02%). This variant has not been reported in the literature in individuals affected with C6-related conditions. ClinVar contains an entry for this variant (Variation ID: 1423647). An algorithm developed to predict the effect of missense changes on protein structure and function (PolyPhen-2) suggests that this variant is likely to be disruptive. In summary, the available evidence is currently insufficient to determine the role of this variant in disease. Therefore, it has been classified as a Variant of Uncertain Significance.

Ambry Genetics
Classification: Uncertain significance for Inborn genetic diseases. Last evaluated: 2021-06-21. Review status: criteria provided, single submitter. Criteria: Ambry Variant Classification Scheme 2023. Collection method: clinical testing. Allele origin: germline.

Department of Pathology and Laboratory Medicine, Sinai Health System
Classification: Uncertain significance for complement component 6 deficiency. Last evaluated: 2020-07-02. Review status: criteria provided, single submitter. Criteria: ACMG Guidelines, 2015. Collection method: research. Allele origin: germline.

NM_000065.5(C6):c.1927G>A (p.Gly643Arg)

Gene: C6 (complement C6; minus strand). Cytogenetic location: 5p13.1.
Variant type: single nucleotide variant.
Coding change: c.1927G>A on transcript NM_000065.5 (MANE Select); coding-DNA position 1927, G replaced by A.
Protein change: p.Gly643Arg; replaces glycine 643 with arginine.
Molecular consequence: missense variant.
Genome position (GRCh38, 1-based): chr5:41,158,715, C>T on the plus strand (G>A on the coding strand, the complement: C6 is on the minus strand). VCF-style: chr5-41158715-C-T. GRCh37 (hg19) VCF-style: chr5-41158817-C-T.
Other names: c.1927G>A, p.Gly643Arg (NM_001115131.4); c.1927G>A (NM_000065.2); short protein forms G643R.
Identifiers: ClinVar variation 1423647 (VCV001423647.6), dbSNP rs199552869, ClinGen allele CA3252273.